The following is an entry in ClinVar:

NM_001377229.1(DISP1):c.3294G>C (p.Met1098Ile)

Gene: DISP1 (dispatched RND transporter family member 1; plus strand). Cytogenetic location: 1q41.
Variant type: single nucleotide variant.
Coding change: c.3294G>C on transcript NM_001377229.1 (MANE Select); coding-DNA position 3294, G replaced by C.
Protein change: p.Met1098Ile; replaces methionine 1098 with isoleucine.
Molecular consequence: missense variant.
Genome position (GRCh38, 1-based): chr1:223,004,691, G>C. VCF-style: chr1-223004691-G-C. GRCh37 (hg19) VCF-style: chr1-223178033-G-C.
Other names: c.2565G>C, p.Met855Ile (NM_001350630.2); c.3294G>C, p.Met1098Ile (NM_001369594.1, NM_001377228.1, NM_032890.5); short protein forms M1098I, M855I.
Identifiers: ClinVar variation 4887870 (VCV004887870.1).
Genomic context (GRCh38, chr1:223,004,691, plus strand): 5'-CGTGGGCTCTGCGATGGCCATGGCTGCCCTGACCACCTTCGTGGCAGGGGCCATGATGAT[G>C]CCCTCCACAGTTCTAGCTTACACCCAGCTGGGCACCTTCATGATGCTCATCATGTGTATC-3'
Protein context (NP_001364158.1, residues 1088-1108): LTTFVAGAMM[Met1098Ile]PSTVLAYTQL

ClinVar aggregate classification (germline): Uncertain significance (1 of 4 stars; one submission).

Submission:

GeneDx
Classification: Uncertain significance. Last evaluated: 2023-02-09. Review status: criteria provided, single submitter. Criteria: GeneDx Variant Classification Process June 2021. Collection method: clinical testing. Allele origin: germline.
Comment: Not observed at significant frequency in large population cohorts (gnomAD); In silico analysis supports that this missense variant does not alter protein structure/function; Has not been previously published as pathogenic or benign to our knowledge; Variants in candidate genes are classified as variants of uncertain significance in accordance with ACMG guidelines (Richards et al., 2015)